The following is an entry in ClinVar:

ClinVar aggregate classification (germline): Conflicting classifications of pathogenicity. Review status: criteria provided, conflicting classifications (1 of 4 stars). 2 submissions from 2 submitters: Likely pathogenic (1); Uncertain significance (1). Last evaluated 2024-10-03.

Conditions:
Early-infantile DEE. Also called: Ohtahara syndrome; Early infantile epileptic encephalopathy with suppression bursts; Early infantile epileptic encephalopathy. Identifiers: Orphanet 1934, MedGen C0393706, MONDO:0800491.
Inborn genetic diseases. Identifiers: MedGen C0950123, MeSH D030342.

Allele frequency attached by ClinVar (database versions not stated): gnomAD 0.00001; TOPMed 0.00001; ExAC 0.00001.

Submissions (2):

Ambry Genetics
Classification: Uncertain significance for Inborn genetic diseases. Last evaluated: 2024-10-03. Review status: criteria provided, single submitter. Criteria: Ambry Variant Classification Scheme 2023. Collection method: clinical testing. Allele origin: germline.
Comment: The c.4420-1C>A intronic alteration consists of a C to A substitution one nucleotide before Intron 23 of the SCN8A gene. Alterations that disrupt the canonical splice acceptor site are typically deleterious in nature (Richards, 2015). Based on insufficient or conflicting evidence, the clinical significance of this alteration remains unclear.

Labcorp Genetics (formerly Invitae), Labcorp
Classification: Likely pathogenic for Early-infantile DEE. Last evaluated: 2024-04-22. Review status: criteria provided, single submitter. Criteria: Invitae Variant Classification Sherloc (09022015). Collection method: clinical testing. Allele origin: germline.
Comment: This sequence change affects an acceptor splice site in intron 24 of the SCN8A gene. It is expected to disrupt RNA splicing. Variants that disrupt the donor or acceptor splice site typically lead to a loss of protein function (PMID: 16199547), and loss-of-function variants in SCN8A are known to be pathogenic (PMID: 19254928, 32651551). This variant is not present in population databases (gnomAD no frequency). This variant has not been reported in the literature in individuals affected with SCN8A-related conditions. ClinVar contains an entry for this variant (Variation ID: 2027096). In summary, the currently available evidence indicates that the variant is pathogenic, but additional data are needed to prove that conclusively. Therefore, this variant has been classified as Likely Pathogenic.

Literature cited by the submitters: PubMed 16199547 (cited by Labcorp Genetics (formerly Invitae), Labcorp); PubMed 19254928 (cited by Labcorp Genetics (formerly Invitae), Labcorp); PubMed 32651551 (cited by Labcorp Genetics (formerly Invitae), Labcorp).

NM_001330260.2(SCN8A):c.4420-1C>A

Gene: SCN8A (sodium voltage-gated channel alpha subunit 8; plus strand). Cytogenetic location: 12q13.13.
Variant type: single nucleotide variant.
Coding change: c.4420-1C>A on transcript NM_001330260.2 (MANE Select); the canonical splice acceptor site of the intron before coding-DNA position 4420, C replaced by A.
Molecular consequence: splice acceptor variant.
Genome position (GRCh38, 1-based): chr12:51,790,397, C>A. VCF-style: chr12-51790397-C-A. GRCh37 (hg19) VCF-style: chr12-52184181-C-A.
Other names: c.4420-1C>A (NM_014191.2, NM_014191.4); c.4297-1C>A (NM_001177984.3, NM_001369788.1).
Identifiers: ClinVar variation 2027096 (VCV002027096.5), dbSNP rs746520319, ClinGen allele CA6571816.